The following is an entry in ClinVar:

ClinVar aggregate classification (germline): Uncertain significance (1 of 4 stars; one submission).

Conditions:
Neuronopathy, distal hereditary motor, type 7A. Also called: NEURONOPATHY, DISTAL HEREDITARY MOTOR, HARDING TYPE VIIA; NEUROPATHY, DISTAL HEREDITARY MOTOR, HARDING TYPE VIIA; Neuronopathy, distal hereditary motor, autosomal dominant 7; SPINAL MUSCULAR ATROPHY, DISTAL, WITH VOCAL CORD PARALYSIS; Neuronopathy, distal hereditary motor, type viia; HARPER-YOUNG MYOPATHY. Identifiers: Orphanet 139589, MedGen C1834703, MONDO:0008024, OMIM 158580.
Congenital myasthenic syndrome 20. Also called: Myasthenic syndrome, congenital, 20, presynaptic. Identifiers: MedGen C4310694, MONDO:0014939, OMIM 617143.

Submission:

Labcorp Genetics (formerly Invitae), Labcorp
Classification: Uncertain significance for Neuronopathy, distal hereditary motor, type 7A; Congenital myasthenic syndrome 20. Last evaluated: 2020-11-15. Review status: criteria provided, single submitter. Criteria: Invitae Variant Classification Sherloc (09022015). Collection method: clinical testing. Allele origin: germline.
Comment: This variant is not present in population databases (ExAC no frequency). This variant has not been reported in the literature in individuals with SLC5A7-related conditions. Algorithms developed to predict the effect of missense changes on protein structure and function are either unavailable or do not agree on the potential impact of this missense change (SIFT: "Deleterious"; PolyPhen-2: "Possibly Damaging"; Align-GVGD: "Class C0"). In summary, the available evidence is currently insufficient to determine the role of this variant in disease. Therefore, it has been classified as a Variant of Uncertain Significance. This sequence change replaces valine with leucine at codon 190 of the SLC5A7 protein (p.Val190Leu). The valine residue is highly conserved and there is a small physicochemical difference between valine and leucine.

NM_021815.5(SLC5A7):c.568G>C (p.Val190Leu)

Gene: SLC5A7 (solute carrier family 5 member 7; plus strand). Cytogenetic location: 2q12.3.
Variant type: single nucleotide variant.
Coding change: c.568G>C on transcript NM_021815.5 (MANE Select); coding-DNA position 568, G replaced by C.
Protein change: p.Val190Leu; replaces valine 190 with leucine.
Molecular consequence: missense variant. On other transcripts: 5 prime UTR variant (1).
Genome position (GRCh38, 1-based): chr2:107,997,957, G>C. VCF-style: chr2-107997957-G-C. GRCh37 (hg19) VCF-style: chr2-108614413-G-C.
Other names: c.568G>C, p.Val190Leu (NM_001305005.3); c.253G>C, p.Val85Leu (NM_001305006.3); c.-137G>C (NM_001305007.3); short protein forms V85L, V190L.
Identifiers: ClinVar variation 1347873 (VCV001347873.8), dbSNP rs541031936, ClinGen allele CA348112624.
Genomic context (GRCh38, chr2:107,997,957, plus strand): 5'-CTCATTGCCACTCTGTACACACTGGTGGGAGGGCTCTATTCTGTGGCCTACACTGATGTC[G>C]TTCAGCTCTTTTGCATTTTTGTAGGGCTGGTAAGTGGGAGCACCCAAGATTCTCCTCCTT-3'
Protein context (NP_068587.1, residues 180-200): GLYSVAYTDV[Val190Leu]QLFCIFVGLW